The following is an entry in ClinVar:

ClinVar aggregate classification (germline): Uncertain significance (1 of 4 stars; one submission).

Conditions:
Spermatogenic failure 18. Identifiers: MedGen C4539783, MONDO:0054615, OMIM 617576.
Ciliary dyskinesia, primary, 37 (CILD37). Also called: CILIARY DYSKINESIA, PRIMARY, 37, WITH OR WITHOUT SITUS INVERSUS. Identifiers: MedGen C4539798, MONDO:0033204, OMIM 617577.

Allele frequency attached by ClinVar (database versions not stated): ExAC 0.00001; gnomAD 0.00001; TOPMed 0.00001; gnomAD exomes 0.00002.
gnomAD v4.1: 6 of 1,613,624 alleles (0.00037%); highest among the groups gnomAD compares: African/African-American, 0.0013%; no homozygotes.

Submission:

Labcorp Genetics (formerly Invitae), Labcorp
Classification: Uncertain significance for Ciliary dyskinesia, primary, 37; Spermatogenic failure 18. Last evaluated: 2022-09-13. Review status: criteria provided, single submitter. Criteria: Invitae Variant Classification Sherloc (09022015). Collection method: clinical testing. Allele origin: germline.
Comment: This sequence change replaces glutamic acid, which is acidic and polar, with lysine, which is basic and polar, at codon 3135 of the DNAH1 protein (p.Glu3135Lys). This variant is present in population databases (rs780455787, gnomAD 0.007%). This variant has not been reported in the literature in individuals affected with DNAH1-related conditions. ClinVar contains an entry for this variant (Variation ID: 1411004). Advanced modeling of protein sequence and biophysical properties (such as structural, functional, and spatial information, amino acid conservation, physicochemical variation, residue mobility, and thermodynamic stability) performed at Invitae indicates that this missense variant is not expected to disrupt DNAH1 protein function. In summary, the available evidence is currently insufficient to determine the role of this variant in disease. Therefore, it has been classified as a Variant of Uncertain Significance.

NM_015512.5(DNAH1):c.9403G>A (p.Glu3135Lys)

Gene: DNAH1 (dynein axonemal heavy chain 1; plus strand). Cytogenetic location: 3p21.1.
Variant type: single nucleotide variant.
Coding change: c.9403G>A on transcript NM_015512.5 (MANE Select); coding-DNA position 9403, G replaced by A.
Protein change: p.Glu3135Lys; replaces glutamic acid 3135 with lysine.
Molecular consequence: missense variant.
Genome position (GRCh38, 1-based): chr3:52,388,845, G>A. VCF-style: chr3-52388845-G-A. GRCh37 (hg19) VCF-style: chr3-52422861-G-A.
Other names: short protein forms E3135K.
Identifiers: ClinVar variation 1411004 (VCV001411004.6), dbSNP rs780455787, ClinGen allele CA2435520.